The following is an entry in ClinVar:

ClinVar aggregate classification (germline): Uncertain significance (1 of 4 stars; one submission).

Conditions:
Cognitive impairment - coarse facies - heart defects - obesity - pulmonary involvement - short stature - skeletal dysplasia syndrome. Also called: COGNITIVE IMPAIRMENT, COARSE FACIES, HEART DEFECTS, OBESITY, PULMONARY INVOLVEMENT, SHORT STATURE, AND SKELETAL DYSPLASIA; Chops syndrome; AFF4-Related CHOPS Syndrome. Identifiers: Orphanet 444077, MedGen C4085597, MONDO:0014609, OMIM 616368.

Allele frequency attached by ClinVar (database versions not stated): TOPMed below 0.00001.

Submission:

Labcorp Genetics (formerly Invitae), Labcorp
Classification: Uncertain significance for Cognitive impairment - coarse facies - heart defects - obesity - pulmonary involvement - short stature - skeletal dysplasia syndrome. Last evaluated: 2022-03-26. Review status: criteria provided, single submitter. Criteria: Invitae Variant Classification Sherloc (09022015). Collection method: clinical testing. Allele origin: germline.
Comment: In summary, the available evidence is currently insufficient to determine the role of this variant in disease. Therefore, it has been classified as a Variant of Uncertain Significance. Algorithms developed to predict the effect of missense changes on protein structure and function are either unavailable or do not agree on the potential impact of this missense change (SIFT: "Deleterious"; PolyPhen-2: "Benign"; Align-GVGD: "Class C0"). This variant has not been reported in the literature in individuals affected with AFF4-related conditions. This variant is not present in population databases (gnomAD no frequency). This sequence change replaces serine, which is neutral and polar, with phenylalanine, which is neutral and non-polar, at codon 875 of the AFF4 protein (p.Ser875Phe).

NM_014423.4(AFF4):c.2624C>T (p.Ser875Phe)

Gene: AFF4 (ALF transcription elongation factor 4; minus strand). Cytogenetic location: 5q31.1.
Variant type: single nucleotide variant.
Coding change: c.2624C>T on transcript NM_014423.4 (MANE Select); coding-DNA position 2624, C replaced by T.
Protein change: p.Ser875Phe; replaces serine 875 with phenylalanine.
Molecular consequence: missense variant.
Genome position (GRCh38, 1-based): chr5:132,892,177, G>A on the plus strand (C>T on the coding strand, the complement: AFF4 is on the minus strand). VCF-style: chr5-132892177-G-A. GRCh37 (hg19) VCF-style: chr5-132227869-G-A.
Other names: short protein forms S875F.
Identifiers: ClinVar variation 2117905 (VCV002117905.4), dbSNP rs1239781427, ClinGen allele CA360928347.